The following is an entry in ClinVar:

NM_000108.5(DLD):c.1344_1347del (p.Asp448fs)

Gene: DLD (dihydrolipoamide dehydrogenase; plus strand). Cytogenetic location: 7q31.1.
Variant type: Microsatellite.
Coding change: c.1344_1347del on transcript NM_000108.5 (MANE Select); coding-DNA positions 1344 to 1347, 4 bases deleted (CAGA; older notation c.1344_1347delCAGA).
Protein change: p.Asp448fs; shifts the reading frame from aspartic acid 448.
Molecular consequence: frameshift variant.
Genome position (GRCh38, 1-based): chr7:107,918,031-107,918,034, CAGA deleted; deleting any 4 consecutive bases within chr7:107,918,025-107,918,034 gives the same sequence; the c. name uses the placement nearest the transcript's 3' end. VCF-style (leftmost placement, unchanged base first): chr7-107918024-CGACA-C. GRCh37 (hg19) VCF-style: chr7-107558469-CGACA-C.
Other names: c.1344_1347delCAGA (NM_000108.4); c.1047_1050del, p.Asp349fs (NM_001289750.1); c.1275_1278del, p.Asp425fs (NM_001289751.1); c.1200_1203del, p.Asp400fs (NM_001289752.1); short protein forms D448fs, D425fs, D400fs, D349fs.
Identifiers: ClinVar variation 856335 (VCV000856335.10), dbSNP rs1402761530, ClinGen allele CA577039230.
Genomic context (GRCh38, chr7:107,918,024, plus strand): 5'-ACAGCAGAGCTAAGACAAATGCTGACACAGATGGCATGGTGAAGATCCTTGGGCAGAAAT[CGACA>C]GACAGAGTACTGGGAGCACATATTCTTGGACCAGTGAGTATTGTAAAACCAGAGAAATCC-3'

ClinVar aggregate classification (germline): Pathogenic/Likely pathogenic. Review status: criteria provided, multiple submitters, no conflicts (2 of 4 stars). 3 submissions from 3 submitters: Pathogenic (1); Likely pathogenic (2). Last evaluated 2025-12-18.

Conditions:
Pyruvate dehydrogenase E3 deficiency (DLDD). Also called: Dihydrolipoamide Dehydrogenase (E3) Deficiency; Dihydrolipoamide Dehydrogenase Deficiency; MAPLE SYRUP URINE DISEASE, TYPE III; Lipoamide dehydrogenase deficiency, lactic acidosis due to; Lipoamide dehydrogenase deficiency; Dihydrolipoamide Dehydrogenase E3 Deficiency. Identifiers: Orphanet 2394, Orphanet 765, MedGen C5574660, MONDO:0009529, OMIM 246900.

Submissions (3):

Natera, Inc.
Classification: Likely pathogenic for Maple syrup urine disease type 3. Last evaluated: 2025-12-18. Review status: criteria provided, single submitter. Criteria: Natera Variant Classification Schema (03/2026). Collection method: clinical testing. Allele origin: germline.
Comment: The c.1344_1347delCAGA variant in DLD is a frameshift variant predicted to shift the reading frame beginning at codon 448 and leads to a stop codon 16 codons downstream. This variant is expected to result in nonsense mediated decay, truncation, or a dysfunctional protein product. This variant is rare in the general population with a frequency below the threshold expected for the associated phenotype(s). Given the available evidence, this variant is classified as Likely Pathogenic.

Labcorp Genetics (formerly Invitae), Labcorp
Classification: Pathogenic for Pyruvate dehydrogenase E3 deficiency. Last evaluated: 2024-05-17. Review status: criteria provided, single submitter. Criteria: Invitae Variant Classification Sherloc (09022015). Collection method: clinical testing. Allele origin: germline.
Comment: This sequence change creates a premature translational stop signal (p.Asp448Glufs*16) in the DLD gene. It is expected to result in an absent or disrupted protein product. Loss-of-function variants in DLD are known to be pathogenic (PMID: 8968745, 9934985). This variant is present in population databases (no rsID available, gnomAD 0.002%). This variant has not been reported in the literature in individuals affected with DLD-related conditions. ClinVar contains an entry for this variant (Variation ID: 856335). For these reasons, this variant has been classified as Pathogenic.

Baylor Genetics
Classification: Likely pathogenic for Pyruvate dehydrogenase E3 deficiency. Last evaluated: 2024-02-06. Review status: criteria provided, single submitter. Criteria: ACMG Guidelines, 2015. Collection method: clinical testing. Allele origin: unknown.

Literature cited by the submitters: PubMed 8968745 (cited by Labcorp Genetics (formerly Invitae), Labcorp); PubMed 9934985 (cited by Labcorp Genetics (formerly Invitae), Labcorp).